The following is an entry in ClinVar:

NM_182641.4(BPTF):c.206G>T (p.Gly69Val)

Gene: BPTF (bromodomain PHD finger transcription factor; plus strand). Cytogenetic location: 17q24.2.
Variant type: single nucleotide variant.
Coding change: c.206G>T on transcript NM_182641.4 (MANE Select); coding-DNA position 206, G replaced by T.
Protein change: p.Gly69Val; replaces glycine 69 with valine.
Molecular consequence: missense variant.
Genome position (GRCh38, 1-based): chr17:67,825,930, G>T. VCF-style: chr17-67825930-G-T. GRCh37 (hg19) VCF-style: chr17-65822046-G-T.
Other names: c.206G>T (NM_182641.3); c.206G>T, p.Gly69Val (NM_001439139.1, NM_001439140.1, NM_001439141.1 and 4 more transcripts); short protein forms G69V.
Identifiers: ClinVar variation 4780926 (VCV004780926.2).

ClinVar aggregate classification (germline): Uncertain significance. Review status: criteria provided, multiple submitters, no conflicts (2 of 4 stars). 2 submissions from 2 submitters: Uncertain significance (2). Last evaluated 2026-02-17.

Conditions:
Inborn genetic diseases. Identifiers: MedGen C0950123, MeSH D030342.

gnomAD v4.1: 15 of 1,015,616 alleles (0.0015%); highest among the groups gnomAD compares: South Asian, 0.013%; no homozygotes.

Submissions (2):

Ambry Genetics
Classification: Uncertain significance for Inborn genetic diseases. Last evaluated: 2026-02-17. Review status: criteria provided, single submitter. Criteria: Ambry Variant Classification Scheme 2023. Collection method: clinical testing. Allele origin: germline.
Comment: The c.206G>T (p.G69V) alteration is located in exon 1 (coding exon 1) of the BPTF gene. This alteration results from a G to T substitution at nucleotide position 206, causing the glycine (G) at amino acid position 69 to be replaced by a valine (V). Based on data from gnomAD, the T allele has an overall frequency of 0.004% (1/25452) total alleles studied. The highest observed frequency was 0.008% (1/13336) of European (non-Finnish) alleles. Based on insufficient or conflicting evidence, the clinical significance of this alteration remains unclear.

Labcorp Genetics (formerly Invitae), Labcorp
Classification: Uncertain significance. Last evaluated: 2025-03-27. Review status: criteria provided, single submitter. Criteria: Invitae Variant Classification Sherloc (09022015). Collection method: clinical testing. Allele origin: germline.
Comment: This sequence change replaces glycine, which is neutral and non-polar, with valine, which is neutral and non-polar, at codon 69 of the BPTF protein (p.Gly69Val). This variant is present in population databases (no rsID available, gnomAD 0.007%). This variant has not been reported in the literature in individuals affected with BPTF-related conditions. Experimental studies and prediction algorithms are not available or were not evaluated, and the functional significance of this variant is currently unknown. In summary, the available evidence is currently insufficient to determine the role of this variant in disease. Therefore, it has been classified as a Variant of Uncertain Significance.